The following is an entry in ClinVar:

NM_006030.4(CACNA2D2):c.554G>C (p.Ser185Thr)

Gene: CACNA2D2 (calcium voltage-gated channel auxiliary subunit alpha2delta 2; minus strand). Cytogenetic location: 3p21.31.
Variant type: single nucleotide variant.
Coding change: c.554G>C on transcript NM_006030.4 (MANE Select); coding-DNA position 554, G replaced by C.
Protein change: p.Ser185Thr; replaces serine 185 with threonine.
Molecular consequence: missense variant.
Genome position (GRCh38, 1-based): chr3:50,384,294, C>G on the plus strand (G>C on the coding strand, the complement: CACNA2D2 is on the minus strand). VCF-style: chr3-50384294-C-G. GRCh37 (hg19) VCF-style: chr3-50421725-C-G.
Other names: c.554G>C, p.Ser185Thr (NM_001005505.3, NM_001174051.3, NM_001410768.1); c.347G>C, p.Ser116Thr (NM_001291101.1); short protein forms S185T, S116T.
Identifiers: ClinVar variation 2765940 (VCV002765940.3), dbSNP rs969458402, ClinGen allele CA352944610.

ClinVar aggregate classification (germline): Uncertain significance (1 of 4 stars; one submission).

Conditions:
Early-infantile DEE. Also called: Ohtahara syndrome; Early infantile epileptic encephalopathy; Early infantile epileptic encephalopathy with suppression bursts. Identifiers: Orphanet 1934, MedGen C0393706, MONDO:0800491.

Submission:

Labcorp Genetics (formerly Invitae), Labcorp
Classification: Uncertain significance for Early-infantile DEE. Last evaluated: 2023-10-05. Review status: criteria provided, single submitter. Criteria: Invitae Variant Classification Sherloc (09022015). Collection method: clinical testing. Allele origin: germline.
Comment: This sequence change replaces serine, which is neutral and polar, with threonine, which is neutral and polar, at codon 185 of the CACNA2D2 protein (p.Ser185Thr). This variant is not present in population databases (gnomAD no frequency). This variant has not been reported in the literature in individuals affected with CACNA2D2-related conditions. An algorithm developed to predict the effect of missense changes on protein structure and function (PolyPhen-2) suggests that this variant is likely to be tolerated. In summary, the available evidence is currently insufficient to determine the role of this variant in disease. Therefore, it has been classified as a Variant of Uncertain Significance.